The following is an entry in ClinVar:

ClinVar aggregate classification (germline): Uncertain significance. Review status: criteria provided, multiple submitters, no conflicts (2 of 4 stars). 2 submissions from 2 submitters: Uncertain significance (2). Last evaluated 2022-02-10.

Allele frequency attached by ClinVar (database versions not stated): 1000 Genomes Project 30x 0.00016; 1000 Genomes Project 0.00020.
gnomAD v4.1: 16 of 1,614,256 alleles (0.00099%); highest among the groups gnomAD compares: African/African-American, 0.017%; no homozygotes.

Submissions (2):

Labcorp Genetics (formerly Invitae), Labcorp
Classification: Uncertain significance. Last evaluated: 2022-02-10. Review status: criteria provided, single submitter. Criteria: Invitae Variant Classification Sherloc (09022015). Collection method: clinical testing. Allele origin: germline.
Comment: This sequence change replaces proline, which is neutral and non-polar, with threonine, which is neutral and polar, at codon 690 of the PCARE protein (p.Pro690Thr). This variant is present in population databases (rs546743700, gnomAD 0.02%). This variant has not been reported in the literature in individuals affected with PCARE-related conditions. Algorithms developed to predict the effect of missense changes on protein structure and function (SIFT, PolyPhen-2, Align-GVGD) all suggest that this variant is likely to be tolerated. In summary, the available evidence is currently insufficient to determine the role of this variant in disease. Therefore, it has been classified as a Variant of Uncertain Significance.

Blueprint Genetics
Classification: Uncertain significance. Last evaluated: 2019-08-09. Review status: criteria provided, single submitter. Criteria: ACMG Guidelines, 2015. Collection method: clinical testing. Allele origin: germline.

NM_001029883.3(PCARE):c.2068C>A (p.Pro690Thr)

Gene: PCARE (photoreceptor cilium actin regulator; minus strand). Cytogenetic location: 2p23.2.
Variant type: single nucleotide variant.
Coding change: c.2068C>A on transcript NM_001029883.3 (MANE Select); coding-DNA position 2068, C replaced by A.
Protein change: p.Pro690Thr; replaces proline 690 with threonine.
Molecular consequence: missense variant.
Genome position (GRCh38, 1-based): chr2:29,072,194, G>T on the plus strand (C>A on the coding strand, the complement: PCARE is on the minus strand). VCF-style: chr2-29072194-G-T. GRCh37 (hg19) VCF-style: chr2-29295060-G-T.
Other names: short protein forms P690T.
Identifiers: ClinVar variation 1487499 (VCV001487499.6), dbSNP rs546743700, ClinGen allele CA1592284.